The following is an entry in ClinVar:

ClinVar aggregate classification (germline): Uncertain significance (1 of 4 stars; one submission).

Conditions:
Cystic fibrosis (CF). Also called: MUCOVISCIDOSIS. Identifiers: Orphanet 586, MedGen C0010674, MONDO:0009061, OMIM 219700. Disease mechanism: loss of function.

gnomAD v4.1: 11 of 1,613,614 alleles (0.00068%); highest among the groups gnomAD compares: Non-Finnish European, 0.00093%; no homozygotes.

Submission:

Ambry Genetics
Classification: Uncertain significance for Cystic fibrosis. Last evaluated: 2026-03-17. Review status: criteria provided, single submitter. Criteria: Ambry Variant Classification Scheme 2023. Collection method: clinical testing. Allele origin: germline.
Comment: The p.Y903F variant (also known as c.2708A>T), located in coding exon 17 of the CFTR gene, results from an A to T substitution at nucleotide position 2708. The tyrosine at codon 903 is replaced by phenylalanine, an amino acid with highly similar properties. This amino acid position is not well conserved in available vertebrate species. In addition, this alteration is predicted to be tolerated by in silico analysis. Based on the available evidence, the clinical significance of this variant remains unclear.

NM_000492.4(CFTR):c.2708A>T (p.Tyr903Phe)

Gene: CFTR (CF transmembrane conductance regulator; plus strand). Cytogenetic location: 7q31.2.
Variant type: single nucleotide variant.
Coding change: c.2708A>T on transcript NM_000492.4 (MANE Select); coding-DNA position 2708, A replaced by T.
Protein change: p.Tyr903Phe; replaces tyrosine 903 with phenylalanine.
Molecular consequence: missense variant.
Genome position (GRCh38, 1-based): chr7:117,603,582, A>T. VCF-style: chr7-117603582-A-T. GRCh37 (hg19) VCF-style: chr7-117243636-A-T.
Other names: short protein forms Y903F.
Identifiers: ClinVar variation 4868811 (VCV004868811.1).
Genomic context (GRCh38, chr7:117,603,582, plus strand): 5'-TGCTTTACAGCACTCCTCTTCAAGACAAAGGGAATAGTACTCATAGTAGAAATAACAGCT[A>T]TGCAGTGATTATCACCAGCACCAGTTCGTATTATGTGTTTTACATTTACGTGGGAGTAGC-3'
Protein context (NP_000483.3, residues 893-913): GNSTHSRNNS[Tyr903Phe]AVIITSTSSY